The following is an entry in ClinVar:

ClinVar aggregate classification (germline): Uncertain significance (1 of 4 stars; one submission).

Conditions:
Cardioacrofacial dysplasia 2. Identifiers: MedGen C5436886, MONDO:0030877, OMIM 619143.

Submission:

Juno Genomics, Hangzhou Juno Genomics, Inc
Classification: Uncertain significance for Cardioacrofacial dysplasia 2. Review status: criteria provided, single submitter. Criteria: ACMG Guidelines, 2015. Collection method: clinical testing. Allele origin: germline. Affected: yes.
Comment: Absent from controls (or at extremely low frequency if recessive) in Genome Aggregation Database, Exome Sequencing Project, 1000 Genomes Project, or Exome Aggregation Consortium.;De novo (both maternity and paternity confirmed) in a patient with the disease and no family history.;Multiple lines of computational evidence support a deleterious effect on the gene or gene product (conservation, evolutionary, splicing impact, etc).

NM_182948.4(PRKACB):c.752A>G (p.Glu251Gly)

Gene: PRKACB (protein kinase cAMP-activated catalytic subunit beta; plus strand). Cytogenetic location: 1p31.1.
Variant type: single nucleotide variant.
Coding change: c.752A>G on transcript NM_182948.4 (MANE Select); coding-DNA position 752, A replaced by G.
Protein change: p.Glu251Gly; replaces glutamic acid 251 with glycine.
Molecular consequence: missense variant.
Genome position (GRCh38, 1-based): chr1:84,197,793, A>G. VCF-style: chr1-84197793-A-G. GRCh37 (hg19) VCF-style: chr1-84663476-A-G.
Other names: c.632A>G, p.Glu211Gly (NM_001242857.3, NM_001375581.1, NM_001375569.1); c.575A>G, p.Glu192Gly (NM_001242858.3, NM_001300917.2, NM_001375578.1); c.623A>G, p.Glu208Gly (NM_001242859.3, NM_001375572.1); c.629A>G, p.Glu210Gly (NM_001242860.3, NM_001300915.2, NM_001375571.1); c.521A>G, p.Glu174Gly (NM_001242861.3); c.572A>G, p.Glu191Gly (NM_001242862.3, NM_001375579.1, NM_001375580.1 and 1 more transcripts); c.752A>G, p.Glu251Gly (NM_001300916.2); c.620A>G, p.Glu207Gly (NM_001375560.1, NM_001375575.1, NM_001375573.1); and 5 more; short protein forms E174G, E191G, E192G, E199G, E200G, E202G, E203G, E204G.
Identifiers: ClinVar variation 3899335 (VCV003899335.2).